The following is an entry in ClinVar:

NM_014629.4(ARHGEF10):c.3397+1804G>A

Gene: ARHGEF10 (Rho guanine nucleotide exchange factor 10; plus strand). Cytogenetic location: 8p23.3.
Variant type: single nucleotide variant.
Coding change: c.3397+1804G>A on transcript NM_014629.4 (MANE Select); 1804 bases into the intron after coding-DNA position 3397, G replaced by A.
Molecular consequence: intron variant.
Genome position (GRCh38, 1-based): chr8:1,947,459, G>A. VCF-style: chr8-1947459-G-A. GRCh37 (hg19) VCF-style: chr8-1895625-G-A.
Other names: c.3280+1804G>A (NM_001438092.1, NM_001438093.1); c.3400+1804G>A (NM_001438091.1); c.3283+1804G>A (NM_001308152.2, NM_001438094.1); c.3397+1804G>A (NM_001308153.3).
Identifiers: ClinVar variation 2658305 (VCV002658305.24), dbSNP rs180723352, ClinGen allele CA170594972.

ClinVar aggregate classification (germline): Benign (1 of 4 stars; one submission).

Allele frequency attached by ClinVar (database versions not stated): 1000 Genomes Project 0.00060; 1000 Genomes Project 30x 0.00109; TOPMed 0.00132; gnomAD 0.00135.
gnomAD v4.1: 208 of 152,334 alleles (0.14%); highest among the groups gnomAD compares: Middle Eastern, 1%; no homozygotes.

Submission:

CeGaT Center for Human Genetics Tuebingen
Classification: Benign. Last evaluated: 2022-10-01. Review status: criteria provided, single submitter. Criteria: CeGaT Center For Human Genetics Tuebingen Variant Classification Criteria Version 2. Collection method: clinical testing. Allele origin: germline. Affected: yes. Observed: 2 variant alleles.
Comment: ARHGEF10: BS1, BS2